The following is an entry in ClinVar:

ClinVar aggregate classification (germline): Uncertain significance (1 of 4 stars; one submission).

Allele frequency attached by ClinVar (database versions not stated): gnomAD exomes below 0.00001; gnomAD 0.00001.

Submission:

Labcorp Genetics (formerly Invitae), Labcorp
Classification: Uncertain significance. Last evaluated: 2023-08-04. Review status: criteria provided, single submitter. Criteria: Invitae Variant Classification Sherloc (09022015). Collection method: clinical testing. Allele origin: germline.
Comment: This sequence change replaces glutamic acid, which is acidic and polar, with lysine, which is basic and polar, at codon 293 of the KCNV2 protein (p.Glu293Lys). This variant is present in population databases (no rsID available, gnomAD 0.007%). This variant has not been reported in the literature in individuals affected with KCNV2-related conditions. ClinVar contains an entry for this variant (Variation ID: 2015071). Advanced modeling of protein sequence and biophysical properties (such as structural, functional, and spatial information, amino acid conservation, physicochemical variation, residue mobility, and thermodynamic stability) performed at Invitae indicates that this missense variant is not expected to disrupt KCNV2 protein function. In summary, the available evidence is currently insufficient to determine the role of this variant in disease. Therefore, it has been classified as a Variant of Uncertain Significance.

NM_133497.4(KCNV2):c.877G>A (p.Glu293Lys)

Gene: KCNV2 (potassium voltage-gated channel modifier subfamily V member 2; plus strand). Cytogenetic location: 9p24.2.
Variant type: single nucleotide variant.
Coding change: c.877G>A on transcript NM_133497.4 (MANE Select); coding-DNA position 877, G replaced by A.
Protein change: p.Glu293Lys; replaces glutamic acid 293 with lysine.
Molecular consequence: missense variant.
Genome position (GRCh38, 1-based): chr9:2,718,616, G>A. VCF-style: chr9-2718616-G-A. GRCh37 (hg19) VCF-style: chr9-2718616-G-A.
Other names: short protein forms E293K.
Identifiers: ClinVar variation 2015071 (VCV002015071.4), dbSNP rs1266411617, ClinGen allele CA372799790.